The following is an entry in ClinVar:

NM_001393586.1(MYO7B):c.2830A>G (p.Thr944Ala)

Gene: MYO7B (myosin VIIB; plus strand). Cytogenetic location: 2q14.3.
Variant type: single nucleotide variant.
Coding change: c.2830A>G on transcript NM_001393586.1 (MANE Select); coding-DNA position 2830, A replaced by G.
Protein change: p.Thr944Ala; replaces threonine 944 with alanine.
Molecular consequence: missense variant.
Genome position (GRCh38, 1-based): chr2:127,609,521, A>G. VCF-style: chr2-127609521-A-G. GRCh37 (hg19) VCF-style: chr2-128367096-A-G.
Other names: c.2830A>G, p.Thr944Ala (NM_001080527.2); short protein forms T944A.
Identifiers: ClinVar variation 2325395 (VCV002325395.4), dbSNP rs2468568569, ClinGen allele CA348408515.
Genomic context (GRCh38, chr2:127,609,521, plus strand): 5'-TACCTGAAAGCCCTGCTGACCCGTGTTCTCCCTCAATGGCCGTAGGATCTGGAATCGAAG[A>G]CCCAGAAGCTGCTTGAGGTTGACCTGGACACAGTCCCCATGGCGGAGGAGCCTGAGGAGG-3'
Protein context (NP_001380515.1, residues 934-954): SPHFEDLESK[Thr944Ala]QKLLEVDLDT

ClinVar aggregate classification (germline): Uncertain significance. Review status: criteria provided, single submitter (1 of 4 stars). 2 submissions from 2 submitters: Uncertain significance (1). 1 of the submissions does not count toward it. Last evaluated 2022-11-10.

Conditions:
MYO7B-related disorder. Also called: MYO7B-related condition.

Submissions (2):

Ambry Genetics
Classification: Uncertain significance. Last evaluated: 2022-11-10. Review status: criteria provided, single submitter. Criteria: Ambry Variant Classification Scheme 2023. Collection method: clinical testing. Allele origin: germline.

PreventionGenetics, part of Exact Sciences
Classification: Uncertain significance for MYO7B-related condition. Last evaluated: 2023-11-28. Review status: no assertion criteria provided. Collection method: clinical testing. Allele origin: germline. Not counted in ClinVar's aggregate classification.
Comment: The MYO7B c.2830A>G variant is predicted to result in the amino acid substitution p.Thr944Ala. To our knowledge, this variant has not been reported in the literature or in a large population database, indicating this variant is rare. At this time, the clinical significance of this variant is uncertain due to the absence of conclusive functional and genetic evidence.